The following is an entry in ClinVar:

ClinVar aggregate classification (germline): not provided (0 of 4 stars; one submission).

Allele frequency attached by ClinVar (database versions not stated): gnomAD 0.00005 and 0.00010; TOPMed 0.00006; gnomAD exomes 0.00038; 1000 Genomes Project 0.00040; 1000 Genomes Project 30x 0.00047.
gnomAD v4.1: 96 of 373,736 alleles (0.026%); highest among the groups gnomAD compares: East Asian, 0.36%; no homozygotes.

Submission:

Human Evolutionary Genetics, Institut Pasteur
No classification provided. Review status: no classification provided. Collection method: not provided. Allele origin: germline.
ClinVar note: Converted during submission from untested to not provided.

NM_001276700.2(NLRP6):c.30-271C>G

Gene: NLRP6 (NLR family pyrin domain containing 6; plus strand). Cytogenetic location: 11p15.5.
Variant type: single nucleotide variant.
Coding change: c.30-271C>G on transcript NM_001276700.2 (MANE Select); 271 bases into the intron before coding-DNA position 30, C replaced by G.
Molecular consequence: intron variant.
Genome position (GRCh38, 1-based): chr11:279,056, C>G. VCF-style: chr11-279056-C-G. GRCh37 (hg19) VCF-style: chr11-279056-C-G.
Other names: c.30-271C>G (NM_138329.2).
Identifiers: ClinVar variation 103248 (VCV000103248.2), dbSNP rs199475792, ClinGen allele CA230314.
Genomic context (GRCh38, chr11:279,056, plus strand): 5'-CCTGTCCTGGGGTGTGGAAGGACAGAAGCAGAAAGGGAGGTGCAGGGGAGGAAGGTGCCC[C>G]CCAGAGCTCAGATCAGCGGCGGCCAGTGCCCACTTCACCCTCAGAGGGCGAAGAACACCA-3'